The following is an entry in ClinVar:

ClinVar aggregate classification (germline): Uncertain significance (1 of 4 stars; one submission).

gnomAD v4.1: 1 of 1,614,168 alleles (0.000062%); highest among the groups gnomAD compares: Non-Finnish European, 0.000085%; no homozygotes.

Submission:

GeneDx
Classification: Uncertain significance. Last evaluated: 2026-01-24. Review status: criteria provided, single submitter. Criteria: GeneDx Variant Classification Process June 2021. Collection method: clinical testing. Allele origin: germline.
Comment: Not observed at significant frequency in large population cohorts (gnomAD); In silico analysis suggests that this missense variant does not alter protein structure/function; Has not been previously published as pathogenic or benign to our knowledge

NM_173500.4(TTBK2):c.3440C>T (p.Pro1147Leu)

Gene: TTBK2 (tau tubulin kinase 2; minus strand). Cytogenetic location: 15q15.2.
Variant type: single nucleotide variant.
Coding change: c.3440C>T on transcript NM_173500.4 (MANE Select); coding-DNA position 3440, C replaced by T.
Protein change: p.Pro1147Leu; replaces proline 1147 with leucine.
Molecular consequence: missense variant.
Genome position (GRCh38, 1-based): chr15:42,746,090, G>A on the plus strand (C>T on the coding strand, the complement: TTBK2 is on the minus strand). VCF-style: chr15-42746090-G-A. GRCh37 (hg19) VCF-style: chr15-43038288-G-A.
Other names: short protein forms P1147L.
Identifiers: ClinVar variation 4975443 (VCV004975443.1).